The following is an entry in ClinVar:

NM_000329.3(RPE65):c.1040G>T (p.Arg347Leu)

Gene: RPE65 (retinoid isomerohydrolase RPE65; minus strand). Cytogenetic location: 1p31.3.
Variant type: single nucleotide variant.
Coding change: c.1040G>T on transcript NM_000329.3 (MANE Select); coding-DNA position 1040, G replaced by T.
Protein change: p.Arg347Leu; replaces arginine 347 with leucine.
Molecular consequence: missense variant.
Genome position (GRCh38, 1-based): chr1:68,438,275, C>A on the plus strand (G>T on the coding strand, the complement: RPE65 is on the minus strand). VCF-style: chr1-68438275-C-A. GRCh37 (hg19) VCF-style: chr1-68903958-C-A.
Other names: short protein forms R347L.
Identifiers: ClinVar variation 1350007 (VCV001350007.6), dbSNP rs562037932, ClinGen allele CA340744312.

ClinVar aggregate classification (germline): Uncertain significance (1 of 4 stars; one submission).

Conditions:
Leber congenital amaurosis 2 (LCA2). Also called: Autosomal Recessive RPE65-Related Retinal Degeneration; AMAUROSIS CONGENITA OF LEBER II. Identifiers: Orphanet 65, MedGen C1859844, MONDO:0008765, OMIM 204100. Disease mechanism: loss of function.
Retinitis pigmentosa 20 (RP20). Identifiers: Orphanet 791, MedGen C3151086, MONDO:0013425, OMIM 613794.

gnomAD v4.1: 18 of 1,613,436 alleles (0.0011%); highest among the groups gnomAD compares: Non-Finnish European, 0.0014%; no homozygotes.

Submission:

Labcorp Genetics (formerly Invitae), Labcorp
Classification: Uncertain significance for Leber congenital amaurosis 2; Retinitis pigmentosa 20. Last evaluated: 2021-10-24. Review status: criteria provided, single submitter. Criteria: Invitae Variant Classification Sherloc (09022015). Collection method: clinical testing. Allele origin: germline.
Comment: In summary, the available evidence is currently insufficient to determine the role of this variant in disease. Therefore, it has been classified as a Variant of Uncertain Significance. This variant disrupts the p.Arg347 amino acid residue in RPE65. Other variant(s) that disrupt this residue have been observed in individuals with RPE65-related conditions (PMID: 29178642, 31630094), which suggests that this may be a clinically significant amino acid residue. Algorithms developed to predict the effect of missense changes on protein structure and function (SIFT, PolyPhen-2, Align-GVGD) all suggest that this variant is likely to be disruptive. This variant has not been reported in the literature in individuals affected with RPE65-related conditions. This variant is not present in population databases (gnomAD no frequency). This sequence change replaces arginine, which is basic and polar, with leucine, which is neutral and non-polar, at codon 347 of the RPE65 protein (p.Arg347Leu).

Literature cited by the submitters: PubMed 29178642; PubMed 31630094.